The following is an entry in ClinVar:

NM_016169.4(SUFU):c.959G>A (p.Ser320Asn)

Gene: SUFU (SUFU negative regulator of hedgehog signaling; plus strand). Cytogenetic location: 10q24.32.
Variant type: single nucleotide variant.
Coding change: c.959G>A on transcript NM_016169.4 (MANE Select); coding-DNA position 959, G replaced by A.
Protein change: p.Ser320Asn; replaces serine 320 with asparagine.
Molecular consequence: missense variant.
Genome position (GRCh38, 1-based): chr10:102,599,481, G>A. VCF-style: chr10-102599481-G-A. GRCh37 (hg19) VCF-style: chr10-104359238-G-A.
Other names: c.959G>A, p.Ser320Asn (NM_001178133.2); short protein forms S320N.
Identifiers: ClinVar variation 649715 (VCV000649715.9), dbSNP rs753862598, ClinGen allele CA5667825.

ClinVar aggregate classification (germline): Conflicting classifications of pathogenicity. Review status: criteria provided, conflicting classifications (1 of 4 stars). 2 submissions from 2 submitters: Uncertain significance (1); Likely benign (1). Last evaluated 2025-09-14.

Conditions:
Hereditary cancer-predisposing syndrome. Also called: Hereditary Cancer Syndrome; Tumor predisposition; Neoplastic Syndromes, Hereditary; Hereditary neoplastic syndrome. Identifiers: Orphanet 140162, MedGen C0027672, MeSH D009386, MONDO:0015356.
Gorlin syndrome. Also called: Basal cell nevus syndrome; Nevoid Basal Cell Carcinoma Syndrome. Identifiers: Orphanet 377, MedGen C0004779, MONDO:0007187.
Medulloblastoma (MDB). Also called: Medulloblastoma, somatic; MEDULLOBLASTOMA PREDISPOSITION SYNDROME. Identifiers: Orphanet 616, MedGen C0025149, MeSH D008527, MONDO:0007959, OMIM 155255, HP:0002885.

Allele frequency attached by ClinVar (database versions not stated): gnomAD exomes below 0.00001; ExAC 0.00001.
gnomAD v4.1: 5 of 1,614,162 alleles (0.00031%); highest among the groups gnomAD compares: Non-Finnish European, 0.00034%; no homozygotes.

Submissions (2):

Labcorp Genetics (formerly Invitae), Labcorp
Classification: Uncertain significance for Gorlin syndrome; Medulloblastoma. Last evaluated: 2025-09-14. Review status: criteria provided, single submitter. Criteria: Invitae Variant Classification Sherloc (09022015). Collection method: clinical testing. Allele origin: germline.
Comment: This sequence change replaces serine, which is neutral and polar, with asparagine, which is neutral and polar, at codon 320 of the SUFU protein (p.Ser320Asn). This variant is present in population databases (rs753862598, gnomAD 0.0009%). This variant has not been reported in the literature in individuals affected with SUFU-related conditions. ClinVar contains an entry for this variant (Variation ID: 649715). Invitae Evidence Modeling of protein sequence and biophysical properties (such as structural, functional, and spatial information, amino acid conservation, physicochemical variation, residue mobility, and thermodynamic stability) indicates that this missense variant is not expected to disrupt SUFU protein function with a negative predictive value of 80%. In summary, the available evidence is currently insufficient to determine the role of this variant in disease. Therefore, it has been classified as a Variant of Uncertain Significance.

Ambry Genetics
Classification: Likely benign for Hereditary cancer-predisposing syndrome. Last evaluated: 2024-01-17. Review status: criteria provided, single submitter. Criteria: Ambry Variant Classification Scheme 2023. Collection method: clinical testing. Allele origin: germline.